The following is an entry in ClinVar:

NM_001365088.1(SLC12A6):c.1592-2A>G

Gene: SLC12A6 (solute carrier family 12 member 6; minus strand). Cytogenetic location: 15q14.
Variant type: single nucleotide variant.
Coding change: c.1592-2A>G on transcript NM_001365088.1 (MANE Select); the canonical splice acceptor site of the intron before coding-DNA position 1592, A replaced by G.
Molecular consequence: splice acceptor variant.
Genome position (GRCh38, 1-based): chr15:34,250,357, T>C on the plus strand (A>G on the coding strand, the complement: SLC12A6 is on the minus strand). VCF-style: chr15-34250357-T-C. GRCh37 (hg19) VCF-style: chr15-34542558-T-C.
Other names: c.1415-2A>G (NM_001042495.2, NM_001042494.2); c.1565-2A>G (NM_001042496.2); c.1547-2A>G (NM_001042497.2); c.1592-2A>G (NM_133647.2); c.1439-2A>G (NM_005135.2).
Identifiers: ClinVar variation 4816514 (VCV004816514.1).

ClinVar aggregate classification (germline): Pathogenic (1 of 4 stars; one submission).

Conditions:
Agenesis of the corpus callosum with peripheral neuropathy (ACCPN). Also called: CHARLEVOIX DISEASE; HMSN/ACC; Hereditary Motor and Sensory Neuropathy with Agenesis of the Corpus Callosum; POLYNEUROPATHY, SENSORIMOTOR, WITH OR WITHOUT AGENESIS OF THE CORPUS CALLOSUM. Identifiers: Orphanet 1496, MedGen C0795950, MONDO:0000902, OMIM 218000. Disease mechanism: loss of function.

Submission:

Natera, Inc.
Classification: Pathogenic for Andermann syndrome. Last evaluated: 2024-06-10. Review status: criteria provided, single submitter. Criteria: Natera Variant Classification Schema (03/2026). Collection method: clinical testing. Allele origin: germline.
Comment: The c.1592-2A>G variant in SLC12A6 is a canonical splice acceptor site variant predicted to affect pre-mRNA splicing, which may result in an abnormal transcript and altered protein product. This variant is expected to result in nonsense mediated decay, truncation, or a dysfunctional protein product. This variant is rare in the general population with a frequency below the threshold expected for the associated phenotype(s). This variant has been observed in one or more individuals affected with the associated recessive disease, as either homozygous or compound heterozygous with a second variant (PMID: 34706912). Additionally, this variant has been observed to segregate in affected family members (PMID: 34706912). Given the available evidence, this variant is classified as Pathogenic.

Literature cited by the submitters: PubMed 34706912.